The following is an entry in ClinVar:

NM_000179.3(MSH6):c.147C>T (p.Ala49=)

Gene: MSH6 (mutS homolog 6; plus strand). Cytogenetic location: 2p16.3.
Variant type: single nucleotide variant.
Coding change: c.147C>T on transcript NM_000179.3 (MANE Select); coding-DNA position 147, C replaced by T.
Protein change: p.Ala49=; no amino-acid change (alanine 49 retained).
Molecular consequence: synonymous variant. On other transcripts: 5 prime UTR variant (1).
Genome position (GRCh38, 1-based): chr2:47,783,380, C>T. VCF-style: chr2-47783380-C-T. GRCh37 (hg19) VCF-style: chr2-48010519-C-T.
Other names: c.147C>T, p.Ala49= (NM_001281492.2); c.-590C>T (NM_001281493.2).
Identifiers: ClinVar variation 184181 (VCV000184181.33), dbSNP rs768803986, ClinGen allele CA008685.

ClinVar aggregate classification (germline): Conflicting classifications of pathogenicity. Review status: criteria provided, conflicting classifications (1 of 4 stars). 15 submissions from 15 submitters: Uncertain significance (2); Benign (2); Likely benign (8). 3 of the submissions do not count toward it. Last evaluated 2026-01-20.

Conditions:
Hereditary nonpolyposis colorectal neoplasms. Identifiers: MedGen C0009405, MeSH D003123.
Hereditary cancer-predisposing syndrome. Also called: Tumor predisposition; Hereditary neoplastic syndrome; Neoplastic Syndromes, Hereditary; Hereditary Cancer Syndrome. Identifiers: Orphanet 140162, MedGen C0027672, MeSH D009386, MONDO:0015356.
Lynch syndrome. Identifiers: Orphanet 144, MedGen C4552100, MONDO:0005835. Disease mechanism: loss of function.
Lynch syndrome 5 (LYNCH5). Also called: Hereditary non-polyposis colorectal cancer, type 5; Colorectal cancer, hereditary nonpolyposis, type 5. Identifiers: Orphanet 144, MedGen C1833477, MONDO:0013710, OMIM 614350. Disease mechanism: loss of function.
Carcinoma of colon (CRC). Also called: Colonic carcinoma; Colon carcinoma. Identifiers: MedGen C0699790, MONDO:0002032.

Allele frequency attached by ClinVar (database versions not stated): gnomAD 0.00005; ExAC below 0.00001; gnomAD exomes 0.00002; TOPMed 0.00002.
gnomAD v4.1: 40 of 1,592,786 alleles (0.0025%); highest among the groups gnomAD compares: Non-Finnish European, 0.0034%; no homozygotes.

Submissions (15):

Labcorp Genetics (formerly Invitae), Labcorp
Classification: Likely benign for Hereditary nonpolyposis colorectal neoplasms. Last evaluated: 2026-01-20. Review status: criteria provided, single submitter. Criteria: Invitae Variant Classification Sherloc (09022015). Collection method: clinical testing. Allele origin: germline.

Center for Genomic Medicine, Rigshospitalet, Copenhagen University Hospital
Classification: Likely benign. Last evaluated: 2025-03-04. Review status: criteria provided, single submitter. Criteria: ACMG Guidelines, 2015. Collection method: clinical testing. Allele origin: germline.

Myriad Genetics, Inc.
Classification: Benign for Lynch syndrome 5. Last evaluated: 2024-12-17. Review status: criteria provided, single submitter. Criteria: Myriad Autosomal Dominant, Autosomal Recessive and X-Linked Classification Criteria (2023). Collection method: clinical testing. Allele origin: unknown.
Comment: This variant is considered benign. This variant is a silent/synonymous amino acid change and it is not expected to impact splicing. This variant has been observed in trans with a known pathogenic variant in one or more individuals lacking clinical features consistent with gene-specific recessive disease.

All of Us Research Program, National Institutes of Health
Classification: Likely benign for Lynch syndrome. Last evaluated: 2023-11-30. Review status: criteria provided, single submitter. Criteria: ACMG Guidelines, 2015. Collection method: clinical testing. Allele origin: germline. Inheritance: Autosomal dominant inheritance. Observed: 5 variant alleles, 5 heterozygotes.
Comment: This study involves interpretation of variants in research participants for the purpose of population health screening. Participant phenotype was not available at the time of variant classification. Additional details can be found in publication PMID: 35346344, PMCID: PMC8962531

Institute for Biomarker Research, Medical Diagnostic Laboratories, L.L.C.
Classification: Likely benign for Hereditary cancer-predisposing syndrome. Last evaluated: 2023-11-06. Review status: criteria provided, single submitter. Criteria: ACMG Guidelines, 2015. Collection method: clinical testing. Allele origin: germline.

Sema4
Classification: Uncertain significance for Hereditary cancer-predisposing syndrome. Last evaluated: 2021-12-08. Review status: criteria provided, single submitter. Criteria: Sema4 Curation Guidelines. Collection method: curation. Allele origin: germline.
Comment: The MSH6 c.147C>T (p.A49=) variant has not been reported in the literature to our knowledge. It was observed in 7/101054 chromosomes of the Non-Finnish European (NFE) subpopulation in the large and broad cohorts of the Genome Aggregation Database (PMID: 32461654). This variant has been reported in ClinVar (Variation ID: 184181). The nucleotide is moderately conserved and in silico tools that predict the effect of sequence changes on splicing suggest that this variant may not impact splicing, though these predictions have not been confirmed by functional studies. The evidence is insufficient to meet ACMG/AMP criteria for classifying the variant as benign or pathogenic. Thus, the clinical significance of this variant is currently uncertain.

Women's Health and Genetics/Laboratory Corporation of America, LabCorp
Classification: Likely benign. Last evaluated: 2019-10-09. Review status: criteria provided, single submitter. Criteria: LabCorp Variant Classification Summary - May 2015. Collection method: clinical testing. Allele origin: germline.

Illumina Laboratory Services, Illumina
Classification: Uncertain significance for Lynch syndrome 5. Last evaluated: 2018-01-13. Review status: criteria provided, single submitter. Criteria: ICSL Variant Classification Criteria 13 December 2019. Collection method: clinical testing. Allele origin: germline.

PreventionGenetics, part of Exact Sciences
Classification: Likely benign. Last evaluated: 2017-03-09. Review status: criteria provided, single submitter. Criteria: ACMG Guidelines, 2015. Collection method: clinical testing. Allele origin: germline.

Ambry Genetics
Classification: Likely benign for Hereditary cancer-predisposing syndrome. Last evaluated: 2016-04-28. Review status: criteria provided, single submitter. Criteria: Ambry Variant Classification Scheme 2023. Collection method: clinical testing. Allele origin: germline.

Color Diagnostics, LLC DBA Color Health
Classification: Likely benign for Hereditary cancer-predisposing syndrome. Last evaluated: 2016-02-24. Review status: criteria provided, single submitter. Criteria: ACMG Guidelines, 2015. Collection method: clinical testing. Allele origin: germline.

GeneDx
Classification: Benign. Last evaluated: 2015-03-03. Review status: criteria provided, single submitter. Criteria: GeneDx Variant Classification Process June 2021. Collection method: clinical testing. Allele origin: germline. Affected: yes.

Clinical Genetics, Academic Medical Center
Classification: Likely benign. Review status: no assertion criteria provided. Collection method: clinical testing. Allele origin: germline. Affected: yes. Study: VKGL Data-share Consensus. Not counted in ClinVar's aggregate classification.

Department of Pathology and Laboratory Medicine, Sinai Health System
Classification: Uncertain significance for Carcinoma of colon. Review status: no assertion criteria provided. Collection method: clinical testing. Allele origin: unknown. Affected: yes. Observed: 1 variant allele. Study: The Canadian Open Genetics Repository (COGR). Not counted in ClinVar's aggregate classification.
Comment: The MSH6 p.Ala49= variant was not identified in the literature nor was it identified in the following databases: COGR, Cosmic, MutDB, Insight Colon Cancer Gene Variant Database, Zhejiang Colon Cancer Database, Mismatch Repair Genes Variant Database, or the Insight Hereditary Tumors Database. The variant was identified in dbSNP (ID: rs768803986) â€šÃ„ÃºWith Likely benign alleleâ€šÃ„Ã¹, ClinVar (classified likely benign by Ambry Genetics), Clinvitae (2x), UMD-LSDB (1x as UV), and in control databases in 6 of 231332 chromosomes at a frequency of 0.00003 increasing the likelihood that this may be a low frequency variant in certain populations of origin (Genome Aggregation Consortium Feb 27, 2017). Observations by population include European Non-Finnish in 6 of 99754 chromosomes (freq. 0.00006), while not seen in the African, other, Latino, Ashkenazi Jewish, European Finnish, South Asian and East Asian populations. The p.Ala49= variant is not expected to have clinical significance because it does not result in a change of amino acid and is not located in a known consensus splice site. In addition, in silico or computational prediction software programs (SpliceSiteFinder, MaxEntScan, NNSPLICE, GeneSplicer, HumanSpliceFinder) do not predict a difference in splicing. In summary, based on the above information the clinical significance of this variant cannot be determined with certainty at this time. This variant is classified as a variant of uncertain significance.

Genome Diagnostics Laboratory, Amsterdam University Medical Center
Classification: Likely benign. Review status: no assertion criteria provided. Collection method: clinical testing. Allele origin: germline. Affected: yes. Study: VKGL Data-share Consensus. Not counted in ClinVar's aggregate classification.